The following is an entry in ClinVar:

NM_005585.5(SMAD6):c.622_634dup (p.Asp212fs)

Gene: SMAD6 (SMAD family member 6; plus strand). Cytogenetic location: 15q22.31.
Variant type: Duplication.
Coding change: c.622_634dup on transcript NM_005585.5 (MANE Select); coding-DNA positions 622 to 634, 13 bases duplicated (GTGCCGCGCGCCG).
Protein change: p.Asp212fs; shifts the reading frame from aspartic acid 212.
Molecular consequence: frameshift variant. On other transcripts: non-coding transcript variant (1).
Genome position (GRCh38, 1-based): chr15:66,703,880-66,703,892, GTGCCGCGCGCCG duplicated; duplicating any 13 consecutive bases within chr15:66,703,879-66,703,892 gives the same sequence; the c. name uses the placement nearest the transcript's 3' end. VCF-style (leftmost placement, unchanged base first): chr15-66703878-T-TGGTGCCGCGCGCC. GRCh37 (hg19) VCF-style: chr15-66996216-T-TGGTGCCGCGCGCC.
Other names: short protein forms D212fs.
Identifiers: ClinVar variation 4540033 (VCV004540033.2).

ClinVar aggregate classification (germline): Conflicting classifications of pathogenicity. Review status: criteria provided, conflicting classifications (1 of 4 stars). 2 submissions from 2 submitters: Likely pathogenic (1); Uncertain significance (1). Last evaluated 2025-08-23.

Conditions:
Aortic valve disease 2 (AOVD2). Identifiers: MedGen C3542024, MONDO:0013902, OMIM 614823.

Submissions (2):

Labcorp Genetics (formerly Invitae), Labcorp
Classification: Uncertain significance for Aortic valve disease 2. Last evaluated: 2025-08-23. Review status: criteria provided, single submitter. Criteria: Invitae Variant Classification Sherloc (09022015). Collection method: clinical testing. Allele origin: germline.
Comment: This sequence change creates a premature translational stop signal (p.Asp212Glyfs*95) in the SMAD6 gene. It is expected to result in an absent or disrupted protein product. However, the current clinical and genetic evidence is not sufficient to establish whether loss-of-function variants in SMAD6 cause disease. This variant is not present in population databases (gnomAD no frequency). This variant has not been reported in the literature in individuals affected with SMAD6-related conditions. Experimental studies and prediction algorithms are not available or were not evaluated, and the functional significance of this variant is currently unknown. In summary, the available evidence is currently insufficient to determine the role of this variant in disease. Therefore, it has been classified as a Variant of Uncertain Significance.

GeneDx
Classification: Likely pathogenic. Last evaluated: 2025-06-24. Review status: criteria provided, single submitter. Criteria: GeneDx Variant Classification Process June 2021. Collection method: clinical testing. Allele origin: germline. Affected: yes.
Comment: Frameshift variant predicted to result in abnormal protein length as the last 285 amino acid(s) are replaced with 94 different amino acid(s), and other similar variants have been reported in HGMD; Not observed at significant frequency in large population cohorts (gnomAD); Has not been previously published as pathogenic or benign to our knowledge